The following is an entry in ClinVar:

NM_004260.4(RECQL4):c.2455C>G (p.Gln819Glu)

Gene: RECQL4 (RecQ like helicase 4; minus strand). Cytogenetic location: 8q24.3.
Variant type: single nucleotide variant.
Coding change: c.2455C>G on transcript NM_004260.4 (MANE Select); coding-DNA position 2455, C replaced by G.
Protein change: p.Gln819Glu; replaces glutamine 819 with glutamic acid.
Molecular consequence: missense variant.
Genome position (GRCh38, 1-based): chr8:144,513,226, G>C on the plus strand (C>G on the coding strand, the complement: RECQL4 is on the minus strand). VCF-style: chr8-144513226-G-C. GRCh37 (hg19) VCF-style: chr8-145738609-G-C.
Other names: short protein forms Q819E.
Identifiers: ClinVar variation 1055999 (VCV001055999.3), dbSNP rs2130676259, ClinGen allele CA372677902.
Genomic context (GRCh38, chr8:144,513,226, plus strand): 5'-GTGGACCACTGGGGGCTCGAGCACTGGCAGTGTGGGGGGGGGGGGTGCCAACCTGGGGCT[G>C]CAGGAAGAGGTGGCAGTGGGCAGGCTGCCCGTCACGCCCGGCCCGGCCCACGGCCTGCAC-3'
Protein context (NP_004251.4, residues 809-829): GQPAHCHLFL[Gln819Glu]PQGEDLRELR

ClinVar aggregate classification (germline): Uncertain significance (1 of 4 stars; one submission).

Conditions:
Baller-Gerold syndrome (BGS). Also called: CRANIOSYNOSTOSIS WITH RADIAL DEFECTS. Identifiers: Orphanet 1225, MedGen C0265308, MONDO:0009039, OMIM 218600.

Submission:

Labcorp Genetics (formerly Invitae), Labcorp
Classification: Uncertain significance for Baller-Gerold syndrome. Last evaluated: 2021-05-06. Review status: criteria provided, single submitter. Criteria: Invitae Variant Classification Sherloc (09022015). Collection method: clinical testing. Allele origin: germline.
Comment: In summary, the available evidence is currently insufficient to determine the role of this variant in disease. Therefore, it has been classified as a Variant of Uncertain Significance. Experimental studies and prediction algorithms are not available or were not evaluated, and the functional significance of this variant is currently unknown. This variant has not been reported in the literature in individuals with RECQL4-related conditions. This variant is not present in population databases (ExAC no frequency). This sequence change replaces glutamine with glutamic acid at codon 819 of the RECQL4 protein (p.Gln819Glu). The glutamine residue is weakly conserved and there is a small physicochemical difference between glutamine and glutamic acid.